The following is an entry in ClinVar:

ClinVar aggregate classification (germline): Uncertain significance (1 of 4 stars; one submission).

Allele frequency attached by ClinVar (database versions not stated): ExAC 0.00002; ESP Exome Variant Server 0.00008; gnomAD exomes 0.00001; 1000 Genomes Project 0.00020; TOPMed 0.00002; 1000 Genomes Project 30x 0.00016.

Submission:

Labcorp Genetics (formerly Invitae), Labcorp
Classification: Uncertain significance. Last evaluated: 2023-04-14. Review status: criteria provided, single submitter. Criteria: Invitae Variant Classification Sherloc (09022015). Collection method: clinical testing. Allele origin: germline.
Comment: In summary, the available evidence is currently insufficient to determine the role of this variant in disease. Therefore, it has been classified as a Variant of Uncertain Significance. An algorithm developed to predict the effect of missense changes on protein structure and function (PolyPhen-2) suggests that this variant is likely to be disruptive. ClinVar contains an entry for this variant (Variation ID: 2076556). This missense change has been observed in individual(s) with Charcot-Marie-Tooth disease (PMID: 26752306). It has also been observed to segregate with disease in related individuals. This variant is present in population databases (rs201447051, gnomAD 0.006%). This sequence change replaces leucine, which is neutral and non-polar, with proline, which is neutral and non-polar, at codon 125 of the MICAL1 protein (p.Leu125Pro).

Literature cited by the submitters: PubMed 26752306.

NM_022765.4(MICAL1):c.317T>C (p.Leu106Pro)

Gene: MICAL1 (microtubule associated monooxygenase, calponin and LIM domain containing 1; minus strand). Cytogenetic location: 6q21.
Variant type: single nucleotide variant.
Coding change: c.317T>C on transcript NM_022765.4 (MANE Select); coding-DNA position 317, T replaced by C.
Protein change: p.Leu106Pro; replaces leucine 106 with proline.
Molecular consequence: missense variant.
Genome position (GRCh38, 1-based): chr6:109,453,787, A>G on the plus strand (T>C on the coding strand, the complement: MICAL1 is on the minus strand). VCF-style: chr6-109453787-A-G. GRCh37 (hg19) VCF-style: chr6-109774990-A-G.
Other names: c.317T>C, p.Leu106Pro (NM_001159291.2); c.374T>C, p.Leu125Pro (NM_001286613.2); short protein forms L106P, L125P.
Identifiers: ClinVar variation 2076556 (VCV002076556.4), dbSNP rs201447051, ClinGen allele CA3953818.